The following is an entry in ClinVar:

ClinVar aggregate classification (germline): Uncertain significance. Review status: criteria provided, multiple submitters, no conflicts (2 of 4 stars). 2 submissions from 2 submitters: Uncertain significance (2). Last evaluated 2025-09-24.

Conditions:
Early Myoclonic Encephalopathy. Identifiers: MedGen C0270855.

Allele frequency attached by ClinVar (database versions not stated): gnomAD 0.00020 and 0.00021; TOPMed 0.00032; 1000 Genomes Project 30x 0.00047; ESP Exome Variant Server 0.00008; 1000 Genomes Project 0.00040.
gnomAD v4.1: 81 of 1,516,056 alleles (0.0053%); highest among the groups gnomAD compares: Admixed American, 0.057%; no homozygotes.

Submissions (3):

Labcorp Genetics (formerly Invitae), Labcorp
Classification: Uncertain significance for Early Myoclonic Encephalopathy. Last evaluated: 2025-09-24. Review status: criteria provided, single submitter. Criteria: Invitae Variant Classification Sherloc (09022015). Collection method: clinical testing. Allele origin: germline.
Comment: This sequence change replaces isoleucine, which is neutral and non-polar, with valine, which is neutral and non-polar, at codon 1833 of the JMJD1C protein (p.Ile1833Val). This variant is present in population databases (rs188245456, gnomAD 0.03%). This variant has not been reported in the literature in individuals affected with JMJD1C-related conditions. ClinVar contains an entry for this variant (Variation ID: 851349). Invitae Evidence Modeling of protein sequence and biophysical properties (such as structural, functional, and spatial information, amino acid conservation, physicochemical variation, residue mobility, and thermodynamic stability) indicates that this missense variant is not expected to disrupt JMJD1C protein function with a negative predictive value of 80%. In summary, the available evidence is currently insufficient to determine the role of this variant in disease. Therefore, it has been classified as a Variant of Uncertain Significance.

Ambry Genetics
Classification: Uncertain significance. Last evaluated: 2024-01-04. Review status: criteria provided, single submitter. Criteria: Ambry Variant Classification Scheme 2023. Collection method: clinical testing. Allele origin: germline.

Dr. Peter K. Rogan Lab, Western University
No classification provided (evidence only). Condition: Thyroid cancer, nonmedullary, 1. Review status: no classification provided. Collection method: in vitro. Allele origin: not applicable. Functional consequence: retained intron. Not counted in ClinVar's aggregate classification.

NM_032776.3(JMJD1C):c.5497A>G (p.Ile1833Val)

Gene: JMJD1C (jumonji domain containing 1C; minus strand). Cytogenetic location: 10q21.3.
Variant type: single nucleotide variant.
Coding change: c.5497A>G on transcript NM_032776.3 (MANE Select); coding-DNA position 5497, A replaced by G.
Protein change: p.Ile1833Val; replaces isoleucine 1833 with valine.
Molecular consequence: missense variant. On other transcripts: non-coding transcript variant (1).
Genome position (GRCh38, 1-based): chr10:63,197,558, T>C on the plus strand (A>G on the coding strand, the complement: JMJD1C is on the minus strand). VCF-style: chr10-63197558-T-C. GRCh37 (hg19) VCF-style: chr10-64957318-T-C.
Other names: c.5497A>G (NM_032776.1); c.4951A>G, p.Ile1651Val (NM_001282948.2, NM_001318154.2); c.4633A>G, p.Ile1545Val (NM_001318153.2); c.5383A>G, p.Ile1795Val (NM_001322252.2); c.4840A>G, p.Ile1614Val (NM_001322254.2, NM_001322258.2); short protein forms I1651V, I1795V, I1833V, I1614V, I1545V.
Identifiers: ClinVar variation 851349 (VCV000851349.12), dbSNP rs188245456, ClinGen allele CA5518083.